The following is an entry in ClinVar:

NM_013393.3(MRM2):c.219C>T (p.Gly73=)

Gene: MRM2 (mitochondrial rRNA methyltransferase 2; minus strand). Cytogenetic location: 7p22.3.
Variant type: single nucleotide variant.
Coding change: c.219C>T on transcript NM_013393.3 (MANE Select); coding-DNA position 219, C replaced by T.
Protein change: p.Gly73=; no amino-acid change (glycine 73 retained).
Molecular consequence: synonymous variant.
Genome position (GRCh38, 1-based): chr7:2,239,497, G>A on the plus strand (C>T on the coding strand, the complement: MRM2 is on the minus strand). VCF-style: chr7-2239497-G-A. GRCh37 (hg19) VCF-style: chr7-2279132-G-A.
Identifiers: ClinVar variation 4084843 (VCV004084843.8).

ClinVar aggregate classification (germline): Likely benign (1 of 4 stars; one submission).

gnomAD v4.1: 257 of 1,613,786 alleles (0.016%); highest among the groups gnomAD compares: Non-Finnish European, 0.021%; 1 homozygote.

Submission:

CeGaT Center for Human Genetics Tuebingen
Classification: Likely benign. Last evaluated: 2025-06-01. Review status: criteria provided, single submitter. Criteria: CeGaT Center For Human Genetics Tuebingen Variant Classification Criteria Version 2. Collection method: clinical testing. Allele origin: germline. Affected: yes. Observed: 1 variant allele.
Comment: MRM2: BP4, BP7